The following is an entry in ClinVar:

NM_000501.4(ELN):c.422T>G (p.Val141Gly)

Gene: ELN (elastin; plus strand). Cytogenetic location: 7q11.23.
Variant type: single nucleotide variant.
Coding change: c.422T>G on transcript NM_000501.4 (MANE Select); coding-DNA position 422, T replaced by G.
Protein change: p.Val141Gly; replaces valine 141 with glycine.
Molecular consequence: missense variant.
Genome position (GRCh38, 1-based): chr7:74,043,163, T>G. VCF-style: chr7-74043163-T-G. GRCh37 (hg19) VCF-style: chr7-73457493-T-G.
Other names: c.392T>G, p.Val131Gly (NM_001081752.3, NM_001278917.2, NM_001278918.2); c.437T>G, p.Val146Gly (NM_001081753.3, NM_001081754.3); c.422T>G, p.Val141Gly (NM_001081755.3, NM_001278912.2, NM_001278915.2 and 2 more transcripts); c.386T>G, p.Val129Gly (NM_001278913.2); c.407T>G, p.Val136Gly (NM_001278914.2); short protein forms V129G, V131G, V136G, V141G, V146G.
Identifiers: ClinVar variation 4082635 (VCV004082635.1).

ClinVar aggregate classification (germline): Uncertain significance (1 of 4 stars; one submission).

Submission:

GeneDx
Classification: Uncertain significance. Last evaluated: 2025-03-07. Review status: criteria provided, single submitter. Criteria: GeneDx Variant Classification Process June 2021. Collection method: clinical testing. Allele origin: germline. Affected: yes.
Comment: Not observed at significant frequency in large population cohorts (gnomAD); In silico analysis supports that this missense variant has a deleterious effect on protein structure/function; Has not been previously published as pathogenic or benign to our knowledge